The following is an entry in ClinVar:

NM_015102.5(NPHP4):c.1906G>A (p.Asp636Asn)

Gene: NPHP4 (nephrocystin 4; minus strand). Cytogenetic location: 1p36.31.
Variant type: single nucleotide variant.
Coding change: c.1906G>A on transcript NM_015102.5 (MANE Select); coding-DNA position 1906, G replaced by A.
Protein change: p.Asp636Asn; replaces aspartic acid 636 with asparagine.
Molecular consequence: missense variant. On other transcripts: non-coding transcript variant (1).
Genome position (GRCh38, 1-based): chr1:5,905,341, C>T on the plus strand (G>A on the coding strand, the complement: NPHP4 is on the minus strand). VCF-style: chr1-5905341-C-T. GRCh37 (hg19) VCF-style: chr1-5965401-C-T.
Other names: c.367G>A, p.Asp123Asn (NM_001291593.2); c.370G>A, p.Asp124Asn (NM_001291594.2); short protein forms D124N, D636N, D123N.
Identifiers: ClinVar variation 2129635 (VCV002129635.4), dbSNP rs2521487509, ClinGen allele CA338054348.

ClinVar aggregate classification (germline): Uncertain significance (1 of 4 stars; one submission).

Conditions:
Nephronophthisis. Also called: Juvenile Nephronophthisis. Identifiers: Orphanet 655, MedGen C0687120, MONDO:0019005, HP:0000090.

Submission:

Labcorp Genetics (formerly Invitae), Labcorp
Classification: Uncertain significance for Nephronophthisis. Last evaluated: 2023-12-11. Review status: criteria provided, single submitter. Criteria: Invitae Variant Classification Sherloc (09022015). Collection method: clinical testing. Allele origin: germline.
Comment: This sequence change replaces aspartic acid, which is acidic and polar, with asparagine, which is neutral and polar, at codon 636 of the NPHP4 protein (p.Asp636Asn). This variant is not present in population databases (gnomAD no frequency). This variant has not been reported in the literature in individuals affected with NPHP4-related conditions. ClinVar contains an entry for this variant (Variation ID: 2129635). Advanced modeling of protein sequence and biophysical properties (such as structural, functional, and spatial information, amino acid conservation, physicochemical variation, residue mobility, and thermodynamic stability) performed at Invitae indicates that this missense variant is expected to disrupt NPHP4 protein function with a positive predictive value of 80%. In summary, the available evidence is currently insufficient to determine the role of this variant in disease. Therefore, it has been classified as a Variant of Uncertain Significance.